The following is an entry in ClinVar:

NM_006031.6(PCNT):c.9199C>G (p.Leu3067Val)

Gene: PCNT (pericentrin; plus strand). Cytogenetic location: 21q22.3.
Variant type: single nucleotide variant.
Coding change: c.9199C>G on transcript NM_006031.6 (MANE Select); coding-DNA position 9199, C replaced by G.
Protein change: p.Leu3067Val; replaces leucine 3067 with valine.
Molecular consequence: missense variant.
Genome position (GRCh38, 1-based): chr21:46,438,263, C>G. VCF-style: chr21-46438263-C-G. GRCh37 (hg19) VCF-style: chr21-47858176-C-G.
Other names: c.8608C>G, p.Leu2870Val (NM_001315529.2); short protein forms L3067V, L2870V.
Identifiers: ClinVar variation 3415863 (VCV003415863.2).

ClinVar aggregate classification (germline): Uncertain significance. Review status: criteria provided, multiple submitters, no conflicts (2 of 4 stars). 2 submissions from 2 submitters: Uncertain significance (2). Last evaluated 2025-09-23.

Conditions:
Inborn genetic diseases. Identifiers: MedGen C0950123, MeSH D030342.
PCNT-related disorder. Also called: PCNT-related condition.

Submissions (2):

PreventionGenetics, part of Exact Sciences
Classification: Uncertain significance for PCNT-related condition. Last evaluated: 2025-09-23. Review status: criteria provided, single submitter. Criteria: ACMG Guidelines, 2015. Collection method: clinical testing. Allele origin: germline.
Comment: The PCNT c.9199C>G variant is predicted to result in the amino acid substitution p.Leu3067Val. To our knowledge, this variant has not been reported in the literature or in a large population database (gnomAD), indicating this variant is rare. At this time, the clinical significance of this variant is uncertain due to the absence of conclusive functional and genetic evidence.

Ambry Genetics
Classification: Uncertain significance for Inborn genetic diseases. Last evaluated: 2024-11-15. Review status: criteria provided, single submitter. Criteria: Ambry Variant Classification Scheme 2023. Collection method: clinical testing. Allele origin: germline.